The following is an entry in ClinVar:

ClinVar aggregate classification (germline): Benign/Likely benign. Review status: criteria provided, multiple submitters, no conflicts (2 of 4 stars). 2 submissions from 2 submitters: Benign (1); Likely benign (1). Last evaluated 2025-11-17.

Conditions:
BAP1-related tumor predisposition syndrome (TPDS1). Also called: TUMOR PREDISPOSITION SYNDROME 1; Tumor susceptibility linked to germline BAP1 mutations; BAP1 tumor predisposition syndrome; COMMON Syndrome. Identifiers: Orphanet 289539, MedGen C3280492, MONDO:0013692, OMIM 614327.

Submissions (2):

Labcorp Genetics (formerly Invitae), Labcorp
Classification: Likely benign for BAP1-related tumor predisposition syndrome. Last evaluated: 2025-11-17. Review status: criteria provided, single submitter. Criteria: Invitae Variant Classification Sherloc (09022015). Collection method: clinical testing. Allele origin: germline.

Myriad Genetics, Inc.
Classification: Benign for BAP1-related tumor predisposition syndrome. Last evaluated: 2024-07-15. Review status: criteria provided, single submitter. Criteria: Myriad Autosomal Dominant, Autosomal Recessive and X-Linked Classification Criteria (2023). Collection method: clinical testing. Allele origin: unknown.
Comment: This variant is considered benign. This variant is a silent/synonymous amino acid change and it is not expected to impact splicing.

NM_004656.4(BAP1):c.735G>T (p.Leu245=)

Gene: BAP1 (BRCA1 associated deubiquitinase 1; minus strand). Cytogenetic location: 3p21.1.
Variant type: single nucleotide variant.
Coding change: c.735G>T on transcript NM_004656.4 (MANE Select); coding-DNA position 735, G replaced by T.
Protein change: p.Leu245=; no amino-acid change (leucine 245 retained).
Molecular consequence: synonymous variant.
Genome position (GRCh38, 1-based): chr3:52,406,301, C>A on the plus strand (G>T on the coding strand, the complement: BAP1 is on the minus strand). VCF-style: chr3-52406301-C-A. GRCh37 (hg19) VCF-style: chr3-52440317-C-A.
Identifiers: ClinVar variation 1096140 (VCV001096140.8), dbSNP rs2153227451, ClinGen allele CA433776250.